The following is an entry in ClinVar:

NM_000318.3(PEX2):c.524del (p.Ser175fs)

Gene: PEX2 (peroxisomal biogenesis factor 2; minus strand). Cytogenetic location: 8q21.13.
Variant type: Deletion.
Coding change: c.524del on transcript NM_000318.3 (MANE Select); coding-DNA position 524, one base deleted (C; older notation c.524delC).
Protein change: p.Ser175fs; shifts the reading frame from serine 175.
Molecular consequence: frameshift variant.
Genome position (GRCh38, 1-based): chr8:76,983,655, G deleted on the plus strand (C on the coding strand, the reverse complement: PEX2 is on the minus strand). VCF-style (leftmost placement, unchanged base first): chr8-76983654-AG-A. GRCh37 (hg19) VCF-style: chr8-77895890-AG-A.
Other names: c.524del, p.Ser175fs (NM_001079867.2, NM_001172086.2, NM_001172087.2); short protein forms S175fs.
Identifiers: ClinVar variation 1445756 (VCV001445756.8), dbSNP rs2132043781, ClinGen allele CA2573143379.

ClinVar aggregate classification (germline): Pathogenic (1 of 4 stars; one submission).

Conditions:
Peroxisome biogenesis disorder 5A (Zellweger) (PBD5A). Identifiers: Orphanet 912, MedGen C3553940, MONDO:0013932, OMIM 614866.

Allele frequency attached by ClinVar (database versions not stated): gnomAD exomes 0.00001.

Submission:

Labcorp Genetics (formerly Invitae), Labcorp
Classification: Pathogenic for Peroxisome biogenesis disorder 5A (Zellweger). Last evaluated: 2023-05-12. Review status: criteria provided, single submitter. Criteria: Invitae Variant Classification Sherloc (09022015). Collection method: clinical testing. Allele origin: germline.
Comment: For these reasons, this variant has been classified as Pathogenic. This variant disrupts a region of the PEX2 protein in which other variant(s) (p.Met191*) have been determined to be pathogenic (Invitae). This suggests that this is a clinically significant region of the protein, and that variants that disrupt it are likely to be disease-causing. ClinVar contains an entry for this variant (Variation ID: 1445756). This variant has not been reported in the literature in individuals affected with PEX2-related conditions. This variant is not present in population databases (gnomAD no frequency). This sequence change creates a premature translational stop signal (p.Ser175Leufs*17) in the PEX2 gene. While this is not anticipated to result in nonsense mediated decay, it is expected to disrupt the last 131 amino acid(s) of the PEX2 protein.